The following is an entry in ClinVar:

NM_001814.6(CTSC):c.1015C>T (p.Arg339Cys)

Gene: CTSC (cathepsin C; minus strand). Cytogenetic location: 11q14.2.
Variant type: single nucleotide variant.
Coding change: c.1015C>T on transcript NM_001814.6 (MANE Select); coding-DNA position 1015, C replaced by T.
Protein change: p.Arg339Cys; replaces arginine 339 with cysteine.
Molecular consequence: missense variant.
Genome position (GRCh38, 1-based): chr11:88,294,383, G>A on the plus strand (C>T on the coding strand, the complement: CTSC is on the minus strand). VCF-style: chr11-88294383-G-A. GRCh37 (hg19) VCF-style: chr11-88027551-G-A.
Other names: short protein forms R339C.
Identifiers: ClinVar variation 2137217 (VCV002137217.6), dbSNP rs1044703733, ClinGen allele CA225417328.

ClinVar aggregate classification (germline): Pathogenic/Likely pathogenic. Review status: criteria provided, multiple submitters, no conflicts (2 of 4 stars). 2 submissions from 2 submitters: Pathogenic (1); Likely pathogenic (1). Last evaluated 2024-03-21.

Conditions:
Periodontitis, aggressive. Identifiers: MedGen C0031106, MONDO:0980757.
Papillon-Lefèvre syndrome (PALS). Also called: KERATOSIS PALMOPLANTARIS WITH PERIODONTOPATHIA; Papillon-Lefevre Disease. Identifiers: Orphanet 678, MedGen C0030360, MONDO:0009490, OMIM 245000.
Haim-Munk syndrome (HMS). Also called: COCHIN JEWISH DISORDER; KERATOSIS PALMOPLANTARIS WITH PERIODONTOPATHIA AND ONYCHOGRYPOSIS. Identifiers: Orphanet 2342, MedGen C1855627, MONDO:0009491, OMIM 245010.

Allele frequency attached by ClinVar (database versions not stated): gnomAD 0.00001; TOPMed below 0.00001.
gnomAD v4.1: 15 of 1,613,980 alleles (0.00093%); highest among the groups gnomAD compares: African/African-American, 0.0027%; no homozygotes.

Submissions (2):

Centre of Medical Genetics, University Hospital Muenster
Classification: Likely pathogenic. Last evaluated: 2024-03-21. Review status: criteria provided, single submitter. Criteria: ACMG Guidelines, 2015. Collection method: clinical testing. Allele origin: unknown. Affected: yes. Observed: 1 variant allele, 1 heterozygote.
Comment: ACMG categories: PS1,PM2

Labcorp Genetics (formerly Invitae), Labcorp
Classification: Pathogenic for Haim-Munk syndrome; Periodontitis, aggressive; Papillon-Lefèvre syndrome. Last evaluated: 2023-11-27. Review status: criteria provided, single submitter. Criteria: Invitae Variant Classification Sherloc (09022015). Collection method: clinical testing. Allele origin: germline.
Comment: This sequence change replaces arginine, which is basic and polar, with cysteine, which is neutral and slightly polar, at codon 339 of the CTSC protein (p.Arg339Cys). This variant is present in population databases (no rsID available, gnomAD 0.0009%). This missense change has been observed in individuals with Papillon-Lefèvre syndrome (PMID: 10581027, 10662808, 11106356, 11886537, 14974080, 27062382, 30854815). ClinVar contains an entry for this variant (Variation ID: 2137217). Advanced modeling of protein sequence and biophysical properties (such as structural, functional, and spatial information, amino acid conservation, physicochemical variation, residue mobility, and thermodynamic stability) performed at Invitae indicates that this missense variant is expected to disrupt CTSC protein function with a positive predictive value of 80%. This variant disrupts the p.Arg339 amino acid residue in CTSC. Other variant(s) that disrupt this residue have been observed in individuals with CTSC-related conditions (PMID: 34341640), which suggests that this may be a clinically significant amino acid residue. For these reasons, this variant has been classified as Pathogenic.

Literature cited by the submitters: PubMed 10581027 (cited by Labcorp Genetics (formerly Invitae), Labcorp); PubMed 10662808 (cited by Labcorp Genetics (formerly Invitae), Labcorp); PubMed 11106356 (cited by Labcorp Genetics (formerly Invitae), Labcorp); PubMed 11886537 (cited by Labcorp Genetics (formerly Invitae), Labcorp); PubMed 14974080 (cited by Labcorp Genetics (formerly Invitae), Labcorp); PubMed 27062382 (cited by Labcorp Genetics (formerly Invitae), Labcorp); PubMed 30854815 (cited by Labcorp Genetics (formerly Invitae), Labcorp); PubMed 34341640 (cited by Labcorp Genetics (formerly Invitae), Labcorp).